The following is an entry in ClinVar:

NM_005148.4(UNC119):c.230G>A (p.Cys77Tyr)

Gene: UNC119 (unc-119 lipid binding chaperone; minus strand). Cytogenetic location: 17q11.2.
Variant type: single nucleotide variant.
Coding change: c.230G>A on transcript NM_005148.4 (MANE Select); coding-DNA position 230, G replaced by A.
Protein change: p.Cys77Tyr; replaces cysteine 77 with tyrosine.
Molecular consequence: missense variant. On other transcripts: 5 prime UTR variant (1).
Genome position (GRCh38, 1-based): chr17:28,548,696, C>T on the plus strand (G>A on the coding strand, the complement: UNC119 is on the minus strand). VCF-style: chr17-28548696-C-T. GRCh37 (hg19) VCF-style: chr17-26875714-C-T.
Other names: c.-56G>A (NM_001330166.2); c.230G>A, p.Cys77Tyr (NM_054035.2); short protein forms C77Y.
Identifiers: ClinVar variation 1377181 (VCV001377181.6), dbSNP rs2151508030, ClinGen allele CA398333254.

ClinVar aggregate classification (germline): Uncertain significance (1 of 4 stars; one submission).

Submission:

Labcorp Genetics (formerly Invitae), Labcorp
Classification: Uncertain significance. Last evaluated: 2021-08-23. Review status: criteria provided, single submitter. Criteria: Invitae Variant Classification Sherloc (09022015). Collection method: clinical testing. Allele origin: germline.
Comment: In summary, the available evidence is currently insufficient to determine the role of this variant in disease. Therefore, it has been classified as a Variant of Uncertain Significance. This sequence change replaces cysteine with tyrosine at codon 77 of the UNC119 protein (p.Cys77Tyr). The cysteine residue is highly conserved and there is a large physicochemical difference between cysteine and tyrosine. This variant is not present in population databases (ExAC no frequency). This variant has not been reported in the literature in individuals affected with UNC119-related conditions. Algorithms developed to predict the effect of missense changes on protein structure and function are either unavailable or do not agree on the potential impact of this missense change (SIFT: "Not Available"; PolyPhen-2: "Probably Damaging"; Align-GVGD: "Not Available").